The following is an entry in ClinVar:

ClinVar aggregate classification (germline): Conflicting classifications of pathogenicity. Review status: criteria provided, conflicting classifications (1 of 4 stars). 2 submissions from 2 submitters: Uncertain significance (1); Likely benign (1). Last evaluated 2025-02-06.

Conditions:
Inborn genetic diseases. Identifiers: MedGen C0950123, MeSH D030342.
Acute myeloid leukemia (AML). Also called: Acute myeloid leukemia, adult; AML adult; Acute non-lymphocytic leukemia; Acute granulocytic leukemia; Leukemia, acute myeloid, somatic; Leukemia, acute myelogenous, somatic. Identifiers: Orphanet 519, MedGen C0023467, MeSH D015470, MONDO:0018874, OMIM 601626, HP:0004808. Disease mechanism: Constitutively activated FLT3.

Submissions (2):

Ambry Genetics
Classification: Likely benign for Inborn genetic diseases. Last evaluated: 2025-02-06. Review status: criteria provided, single submitter. Criteria: Ambry Variant Classification Scheme 2023. Collection method: clinical testing. Allele origin: germline.

Labcorp Genetics (formerly Invitae), Labcorp
Classification: Uncertain significance for Acute myeloid leukemia. Last evaluated: 2024-05-11. Review status: criteria provided, single submitter. Criteria: Invitae Variant Classification Sherloc (09022015). Collection method: clinical testing. Allele origin: germline.
Comment: This sequence change affects codon 244 of the CEBPA mRNA. It is a 'silent' change, meaning that it does not change the encoded amino acid sequence of the CEBPA protein. This variant is not present in population databases (gnomAD no frequency). This variant has not been reported in the literature in individuals affected with CEBPA-related conditions. Experimental studies and prediction algorithms are not available or were not evaluated, and the effect of this variant on mRNA splicing is currently unknown. In summary, the available evidence is currently insufficient to determine the role of this variant in disease. Therefore, it has been classified as a Variant of Uncertain Significance.

NM_004364.5(CEBPA):c.732C>T (p.Ala244=)

Gene: CEBPA (CCAAT enhancer binding protein alpha; minus strand). Cytogenetic location: 19q13.11.
Variant type: single nucleotide variant.
Coding change: c.732C>T on transcript NM_004364.5 (MANE Select); coding-DNA position 732, C replaced by T.
Protein change: p.Ala244=; no amino-acid change (alanine 244 retained).
Molecular consequence: synonymous variant.
Genome position (GRCh38, 1-based): chr19:33,301,683, G>A on the plus strand (C>T on the coding strand, the complement: CEBPA is on the minus strand). VCF-style: chr19-33301683-G-A. GRCh37 (hg19) VCF-style: chr19-33792589-G-A.
Other names: c.375C>T, p.Ala125= (NM_001285829.2); c.837C>T, p.Ala279= (NM_001287424.2); c.690C>T, p.Ala230= (NM_001287435.2).
Identifiers: ClinVar variation 3671856 (VCV003671856.3).